The following is an entry in ClinVar:

NM_004369.4(COL6A3):c.8634T>C (p.Thr2878=)

Gene: COL6A3 (collagen type VI alpha 3 chain; minus strand). Cytogenetic location: 2q37.3.
Variant type: single nucleotide variant.
Coding change: c.8634T>C on transcript NM_004369.4 (MANE Select); coding-DNA position 8634, T replaced by C.
Protein change: p.Thr2878=; no amino-acid change (threonine 2878 retained).
Molecular consequence: synonymous variant.
Genome position (GRCh38, 1-based): chr2:237,336,466, A>G on the plus strand (T>C on the coding strand, the complement: COL6A3 is on the minus strand). VCF-style: chr2-237336466-A-G. GRCh37 (hg19) VCF-style: chr2-238245109-A-G.
Other names: c.6813T>C, p.Thr2271= (NM_057166.5); c.8016T>C, p.Thr2672= (NM_057167.4).
Identifiers: ClinVar variation 1151468 (VCV001151468.33), dbSNP rs768887961, ClinGen allele CA2187484.

ClinVar aggregate classification (germline): Likely benign. Review status: criteria provided, multiple submitters, no conflicts (2 of 4 stars). 2 submissions from 2 submitters: Likely benign (2). Last evaluated 2024-09-01.

Conditions:
Bethlem myopathy 1A. Also called: Bethlem myopathy 1; Bethlem Muscular Dystrophy; MYOPATHY, BENIGN CONGENITAL, WITH CONTRACTURES. Identifiers: Orphanet 610, MedGen CN029274, MONDO:0024530, OMIM 158810.

Allele frequency attached by ClinVar (database versions not stated): gnomAD 0.00001; TOPMed 0.00002.

Submissions (2):

Labcorp Genetics (formerly Invitae), Labcorp
Classification: Likely benign for Bethlem myopathy 1A. Last evaluated: 2024-09-01. Review status: criteria provided, single submitter. Criteria: Invitae Variant Classification Sherloc (09022015). Collection method: clinical testing. Allele origin: germline.

CeGaT Center for Human Genetics Tuebingen
Classification: Likely benign. Last evaluated: 2023-03-01. Review status: criteria provided, single submitter. Criteria: CeGaT Center For Human Genetics Tuebingen Variant Classification Criteria Version 2. Collection method: clinical testing. Allele origin: germline. Affected: yes. Observed: 1 variant allele.
Comment: COL6A3: BP4, BP7